The following is an entry in ClinVar:

ClinVar aggregate classification (germline): Conflicting classifications of pathogenicity. Review status: criteria provided, conflicting classifications (1 of 4 stars). 2 submissions from 2 submitters: Likely pathogenic (1); Uncertain significance (1). Last evaluated 2024-04-03.

Conditions:
MPI-congenital disorder of glycosylation. Also called: MPI DEFICIENCY; CONGENITAL DISORDER OF GLYCOSYLATION, TYPE Ib; MPI-CDG; MANNOSEPHOSPHATE ISOMERASE DEFICIENCY; PROTEIN-LOSING ENTEROPATHY-HEPATIC FIBROSIS SYNDROME; CDG Ib. Identifiers: Orphanet 79319, MedGen C1865145, MONDO:0011257, OMIM 602579.

Submissions (2):

Fulgent Genetics
Classification: Likely pathogenic for MPI-congenital disorder of glycosylation. Last evaluated: 2024-04-03. Review status: criteria provided, single submitter. Criteria: ACMG Guidelines, 2015. Collection method: clinical testing. Allele origin: germline.

Labcorp Genetics (formerly Invitae), Labcorp
Classification: Uncertain significance for MPI-congenital disorder of glycosylation. Last evaluated: 2022-01-16. Review status: criteria provided, single submitter. Criteria: Invitae Variant Classification Sherloc (09022015). Collection method: clinical testing. Allele origin: germline.
Comment: In summary, the available evidence is currently insufficient to determine the role of this variant in disease. Therefore, it has been classified as a Variant of Uncertain Significance. Algorithms developed to predict the effect of sequence changes on RNA splicing suggest that this variant may disrupt the consensus splice site. This variant has not been reported in the literature in individuals affected with MPI-related conditions. This variant is present in population databases (no rsID available, gnomAD 0.003%). This variant, c.842_844del, results in the deletion of 1 amino acid(s) of the MPI protein (p.Gly281del), but otherwise preserves the integrity of the reading frame.

NM_002435.3(MPI):c.843_844+1del

Gene: MPI (mannose phosphate isomerase; plus strand). Cytogenetic location: 15q24.1.
Variant type: Microsatellite.
Coding change: c.843_844+1del on transcript NM_002435.3 (MANE Select); coding-DNA position 843 through the canonical splice donor site of the intron after coding-DNA position 844, 3 bases deleted (AGG; older notation c.843_844+1delAGG).
Molecular consequence: splice donor variant.
Genome position (GRCh38, 1-based): chr15:74,896,324-74,896,326, AGG deleted; deleting any 3 consecutive bases within chr15:74,896,321-74,896,326 gives the same sequence; the c. name uses the placement nearest the transcript's 3' end. VCF-style (leftmost placement, unchanged base first): chr15-74896320-AAGG-A. GRCh37 (hg19) VCF-style: chr15-75188661-AAGG-A.
Other names: c.842_844del (NM_002435.3); c.783_784+1del (NM_001330372.2); c.843_844+1del (NM_001289155.2); c.660_661+1del (NM_001289157.2); c.693_694+1del (NM_001289156.2).
Identifiers: ClinVar variation 1990742 (VCV001990742.5), dbSNP rs1268293635, ClinGen allele CA619413160.